The following is an entry in ClinVar:

NM_001376.5(DYNC1H1):c.4396A>G (p.Ile1466Val)

Gene: DYNC1H1 (dynein cytoplasmic 1 heavy chain 1; plus strand). Cytogenetic location: 14q32.31.
Variant type: single nucleotide variant.
Coding change: c.4396A>G on transcript NM_001376.5 (MANE Select); coding-DNA position 4396, A replaced by G.
Protein change: p.Ile1466Val; replaces isoleucine 1466 with valine.
Molecular consequence: missense variant.
Genome position (GRCh38, 1-based): chr14:102,001,535, A>G. VCF-style: chr14-102001535-A-G. GRCh37 (hg19) VCF-style: chr14-102467872-A-G.
Other names: short protein forms I1466V.
Identifiers: ClinVar variation 1310880 (VCV001310880.2), dbSNP rs2141286139, ClinGen allele CA391042260.

ClinVar aggregate classification (germline): Uncertain significance (1 of 4 stars; one submission).

Allele frequency attached by ClinVar (database versions not stated): gnomAD exomes below 0.00001.
gnomAD v4.1: 1 of 1,614,158 alleles (0.000062%); highest among the groups gnomAD compares: Non-Finnish European, 0.000085%; no homozygotes.

Submission:

GeneDx
Classification: Uncertain significance. Last evaluated: 2019-12-12. Review status: criteria provided, single submitter. Criteria: GeneDx Variant Classification Process June 2021. Collection method: clinical testing. Allele origin: germline. Affected: yes.
Comment: Not observed in large population cohorts (Lek et al., 2016); In silico analysis, which includes protein predictors and evolutionary conservation, supports that this variant does not alter protein structure/function; In silico analysis, which includes splice predictors and evolutionary conservation, suggests this variant may impact gene splicing. In the absence of RNA/functional studies, the actual effect of this sequence change is unknown.; Has not been previously published as pathogenic or benign to our knowledge